The following is an entry in ClinVar:

ClinVar aggregate classification (germline): Pathogenic (1 of 4 stars; one submission).

Submission:

GeneDx
Classification: Pathogenic. Last evaluated: 2022-09-18. Review status: criteria provided, single submitter. Criteria: GeneDx Variant Classification Process June 2021. Collection method: clinical testing. Allele origin: germline. Affected: yes.
Comment: Canonical splice site variant expected to result in aberrant splicing, although in the absence of functional evidence the actual effect of this sequence change is unknown.; Not observed at significant frequency in large population cohorts (gnomAD); Has not been previously published as pathogenic or benign to our knowledge

NM_015335.5(MED13L):c.1280+1G>A

Gene: MED13L (mediator complex subunit 13L; minus strand). Cytogenetic location: 12q24.21.
Variant type: single nucleotide variant.
Coding change: c.1280+1G>A on transcript NM_015335.5 (MANE Select); the canonical splice donor site of the intron after coding-DNA position 1280, G replaced by A.
Molecular consequence: splice donor variant.
Genome position (GRCh38, 1-based): chr12:116,012,796, C>T on the plus strand (G>A on the coding strand, the complement: MED13L is on the minus strand). VCF-style: chr12-116012796-C-T. GRCh37 (hg19) VCF-style: chr12-116450601-C-T.
Identifiers: ClinVar variation 1706430 (VCV001706430.2), dbSNP rs2499924697, ClinGen allele CA386898165.